The following is an entry in ClinVar:

ClinVar aggregate classification (germline): Conflicting classifications of pathogenicity. Review status: criteria provided, conflicting classifications (1 of 4 stars). 2 submissions from 2 submitters: Uncertain significance (1); Likely benign (1). Last evaluated 2025-03-25.

Conditions:
Hereditary cancer-predisposing syndrome. Also called: Neoplastic Syndromes, Hereditary; Tumor predisposition; Hereditary neoplastic syndrome; Hereditary Cancer Syndrome. Identifiers: Orphanet 140162, MedGen C0027672, MeSH D009386, MONDO:0015356.
POLD1-related polyposis and colorectal cancer syndrome (CRCS10). Also called: COLORECTAL CANCER, SUSCEPTIBILITY TO, ON CHROMOSOME 19q; Colorectal cancer 10; Colorectal cancer, susceptibility to, 10. Identifiers: Orphanet 220460, MedGen C2675481, MONDO:0012953, OMIM 612591.

Allele frequency attached by ClinVar (database versions not stated): gnomAD exomes below 0.00001.
gnomAD v4.1: 1 of 1,578,102 alleles (0.000063%); highest among the groups gnomAD compares: Non-Finnish European, 0.000086%; no homozygotes.

Submissions (2):

Ambry Genetics
Classification: Likely benign for Hereditary cancer-predisposing syndrome. Last evaluated: 2025-03-25. Review status: criteria provided, single submitter. Criteria: Ambry Variant Classification Scheme 2023. Collection method: clinical testing. Allele origin: germline.

Labcorp Genetics (formerly Invitae), Labcorp
Classification: Uncertain significance for POLD1-related polyposis and colorectal cancer syndrome. Last evaluated: 2022-05-21. Review status: criteria provided, single submitter. Criteria: Invitae Variant Classification Sherloc (09022015). Collection method: clinical testing. Allele origin: germline.
Comment: This variant is not present in population databases (gnomAD no frequency). This sequence change replaces leucine, which is neutral and non-polar, with proline, which is neutral and non-polar, at codon 40 of the POLD1 protein (p.Leu40Pro). This variant has not been reported in the literature in individuals affected with POLD1-related conditions. In summary, the available evidence is currently insufficient to determine the role of this variant in disease. Therefore, it has been classified as a Variant of Uncertain Significance. Algorithms developed to predict the effect of missense changes on protein structure and function are either unavailable or do not agree on the potential impact of this missense change (SIFT: "Tolerated"; PolyPhen-2: "Possibly Damaging"; Align-GVGD: "Class C0").

NM_002691.4(POLD1):c.119T>C (p.Leu40Pro)

Gene: POLD1 (DNA polymerase delta 1, catalytic subunit; plus strand). Cytogenetic location: 19q13.33.
Variant type: single nucleotide variant.
Coding change: c.119T>C on transcript NM_002691.4 (MANE Select); coding-DNA position 119, T replaced by C.
Protein change: p.Leu40Pro; replaces leucine 40 with proline.
Molecular consequence: missense variant. On other transcripts: non-coding transcript variant (1).
Genome position (GRCh38, 1-based): chr19:50,398,970, T>C. VCF-style: chr19-50398970-T-C. GRCh37 (hg19) VCF-style: chr19-50902227-T-C.
Other names: c.119T>C, p.Leu40Pro (NM_001256849.1, NM_001308632.1); short protein forms L40P.
Identifiers: ClinVar variation 1746949 (VCV001746949.8), dbSNP rs2513933048, ClinGen allele CA406970178.
Genomic context (GRCh38, chr19:50,398,970, plus strand): 5'-GGGGCCTCTGGGATGATGATGATGCACCTCGGCCATCCCAATTCGAGGAGGACCTGGCAC[T>C]GATGGAGGAGATGGAGGCAGAACACAGGCTGCAGGAGCAGGAGGAGGAGGAGCTGCAGTC-3'
Protein context (NP_002682.2, residues 30-50): RPSQFEEDLA[Leu40Pro]MEEMEAEHRL